The following is an entry in ClinVar:

NM_001267550.2(TTN):c.95991C>T (p.Ser31997=)

Genes: TTN (titin; minus strand), TTN-AS1 (TTN antisense RNA 1; plus strand). Cytogenetic location: 2q31.2.
Variant type: single nucleotide variant.
Coding change: c.95991C>T on transcript NM_001267550.2 (MANE Select); coding-DNA position 95991, C replaced by T.
Protein change: p.Ser31997=; no amino-acid change (serine 31997 retained).
Molecular consequence: synonymous variant.
Genome position (GRCh38, 1-based): chr2:178,544,238, G>A on the plus strand (C>T on the coding strand, the complement: TTN is on the minus strand). VCF-style: chr2-178544238-G-A. GRCh37 (hg19) VCF-style: chr2-179408965-G-A.
Other names: c.91068C>T, p.Ser30356= (NM_001256850.1); c.68796C>T, p.Ser22932= (NM_003319.4); c.88287C>T, p.Ser29429= (NM_133378.4); c.69171C>T, p.Ser23057= (NM_133432.3); c.69372C>T, p.Ser23124= (NM_133437.4).
Identifiers: ClinVar variation 413229 (VCV000413229.27), dbSNP rs375176758, ClinGen allele CA1986843.

ClinVar aggregate classification (germline): Likely benign. Review status: criteria provided, multiple submitters, no conflicts (2 of 4 stars). 5 submissions from 5 submitters: Likely benign (5). Last evaluated 2026-07-06.

Conditions:
TTN-related disorder. Also called: TTN-related disorders; TTN-related condition; TTN-related disease.
Cardiovascular phenotype. Identifiers: MedGen CN230736.
Autosomal recessive limb-girdle muscular dystrophy type 2J (LGMDR10). Also called: MUSCULAR DYSTROPHY, LIMB-GIRDLE, AUTOSOMAL RECESSIVE 10; Limb-girdle muscular dystrophy, type 2J. Identifiers: Orphanet 140922, MedGen C1837342, MONDO:0012127, OMIM 608807.
Dilated cardiomyopathy 1G (CMD1G). Identifiers: Orphanet 154, MedGen C1858763, MONDO:0011400, OMIM 604145.

Allele frequency attached by ClinVar (database versions not stated): gnomAD exomes 0.00002 and 0.00004; ExAC 0.00004; ESP Exome Variant Server 0.00008; TOPMed 0.00009; gnomAD 0.00010 and 0.00011; 1000 Genomes Project 30x 0.00016; 1000 Genomes Project 0.00020.

Submissions (5):

PreventionGenetics, part of Exact Sciences
Classification: Likely benign for TTN-related condition. Last evaluated: 2026-07-06. Review status: criteria provided, single submitter. Criteria: ACMG Guidelines, 2015. Collection method: clinical testing. Allele origin: germline.
Comment: This variant is classified as likely benign based on ACMG/AMP sequence variant interpretation guidelines (Richards et al. 2015 PMID: 25741868, with internal and published modifications).

Labcorp Genetics (formerly Invitae), Labcorp
Classification: Likely benign for Dilated cardiomyopathy 1G; Autosomal recessive limb-girdle muscular dystrophy type 2J. Last evaluated: 2026-01-12. Review status: criteria provided, single submitter. Criteria: Invitae Variant Classification Sherloc (09022015). Collection method: clinical testing. Allele origin: germline.

CeGaT Center for Human Genetics Tuebingen
Classification: Likely benign. Last evaluated: 2025-07-01. Review status: criteria provided, single submitter. Criteria: CeGaT Center For Human Genetics Tuebingen Variant Classification Criteria Version 2. Collection method: clinical testing. Allele origin: germline. Affected: yes. Observed: 2 variant alleles.
Comment: TTN: BP4, BP7

Blueprint Genetics
Classification: Likely benign. Last evaluated: 2022-07-28. Review status: criteria provided, single submitter. Criteria: ACMG Guidelines, 2015. Collection method: clinical testing. Allele origin: germline.

Ambry Genetics
Classification: Likely benign for Cardiovascular phenotype. Last evaluated: 2019-09-16. Review status: criteria provided, single submitter. Criteria: Ambry Variant Classification Scheme 2023. Collection method: clinical testing. Allele origin: germline.